The following is an entry in ClinVar:

NM_000064.4(C3):c.3230+36C>T

Gene: C3 (complement C3; minus strand). Cytogenetic location: 19p13.3.
Variant type: single nucleotide variant.
Coding change: c.3230+36C>T on transcript NM_000064.4 (MANE Select); 36 bases into the intron after coding-DNA position 3230, C replaced by T.
Molecular consequence: intron variant.
Genome position (GRCh38, 1-based): chr19:6,693,376, G>A on the plus strand (C>T on the coding strand, the complement: C3 is on the minus strand). VCF-style: chr19-6693376-G-A. GRCh37 (hg19) VCF-style: chr19-6693387-G-A.
Identifiers: ClinVar variation 1227508 (VCV001227508.5), dbSNP rs389404, ClinGen allele CA9128806.

ClinVar aggregate classification (germline): Benign. Review status: criteria provided, multiple submitters, no conflicts (2 of 4 stars). 3 submissions from 3 submitters: Benign (3). Last evaluated 2025-09-30.

Conditions:
C3 glomerulonephritis. Also called: C3 GLOMERULOPATHY 3; Nephropathy due to CFHR5 Deficiency. Identifiers: Orphanet 329931, MedGen C4055342, MONDO:0013892, OMIM 614809.
Atypical hemolytic-uremic syndrome. Identifiers: Orphanet 2134, MedGen C2931788, MONDO:0016244.
Complement component 3 deficiency. Identifiers: Orphanet 280133, MedGen C3151071, MONDO:0013417, OMIM 613779.

Allele frequency attached by ClinVar (database versions not stated): gnomAD exomes 0.13198 and 0.13598; 1000 Genomes Project 30x 0.16693; 1000 Genomes Project 0.16773; ExAC 0.17214; gnomAD 0.17722 and 0.18218; ESP Exome Variant Server 0.17829; TOPMed 0.18033.
gnomAD v4.1: 215,220 of 1,575,840 alleles (14%); highest among the groups gnomAD compares: African/African-American, 30%; 16,277 homozygotes.

Submissions (3):

Genomenon, Inc
Classification: Benign for Complement component 3 deficiency; C3 glomerulonephritis; Atypical hemolytic-uremic syndrome. Last evaluated: 2025-09-30. Review status: criteria provided, single submitter. Criteria: Genomenon Sequence Variant Interpretation Standards. Collection method: curation. Allele origin: germline. Affected: no.
Comment: C3 c.3230+36C>T is an intronic variant located in intron 25. This variant is present at high allele frequency in population databases. In conclusion, we classify C3 c.3230+36C>T as a benign variant.

GeneDx
Classification: Benign. Last evaluated: 2021-06-18. Review status: criteria provided, single submitter. Criteria: GeneDx Variant Classification Process June 2021. Collection method: clinical testing. Allele origin: germline. Affected: yes.

Breakthrough Genomics
Classification: Benign. Review status: criteria provided, single submitter. Criteria: ACMG Guidelines, 2015. Collection method: not provided. Allele origin: germline. Inheritance: Autosomal recessive inheritance. Affected: yes.